The following continues an entry in ClinVar:

NM_000059.4(BRCA2):c.6952C>T (p.Arg2318Ter)

Gene: BRCA2. ClinVar aggregate classification (germline): Pathogenic. Pathogenic (1).

Submissions 10 to 27 of 42:

Quest Diagnostics Nichols Institute San Juan Capistrano
Classification: Pathogenic. Last evaluated: 2024-06-05. Review status: criteria provided, single submitter. Criteria: Quest Diagnostics criteria. Collection method: clinical testing. Allele origin: unknown. Not counted in ClinVar's aggregate classification.
Comment: The BRCA2 c.6952C>T (p.Arg2318*) variant causes the premature termination of BRCA2 protein synthesis. This variant has been reported in the published literature in many individuals/families affected with breast and/or ovarian cancer (PMIDs: 19016756 (2008), 22217648 (2012), 22798144 (2012), 25802882 (2015), 25863477 (2015), 37916805 (2023), 38355628 (2024)), pancreatic cancer (PMID: 37791389 (2024)), and other diverse cancers (PMID: 37916805 (2023)). This variant has not been reported in large, multi-ethnic general populations (Genome Aggregation Database). Based on the available information, this variant is classified as pathogenic.

Blueprint Genetics
Classification: Pathogenic for BRCA2-related disorders. Last evaluated: 2024-04-25. Review status: criteria provided, single submitter. Criteria: ACMG Guidelines, 2015. Collection method: clinical testing. Allele origin: germline. Affected: yes. Observed: 1 variant allele. Not counted in ClinVar's aggregate classification.

Color Diagnostics, LLC DBA Color Health
Classification: Pathogenic for Hereditary cancer-predisposing syndrome. Last evaluated: 2023-09-25. Review status: criteria provided, single submitter. Criteria: ACMG Guidelines, 2015. Collection method: clinical testing. Allele origin: germline. Not counted in ClinVar's aggregate classification.
Comment: This variant changes 1 nucleotide in exon 13 of the BRCA2 gene, creating a premature translation stop signal. This variant is expected to result in an absent or non-functional protein product. This variant has been reported in individuals affected with breast/ovarian cancer (PMID: 11149425, 11802209, 19016756, 22217648, 25802882, 25863477, 26541979, 27732944, 28541631). This variant has not been identified in the general population by the Genome Aggregation Database (gnomAD). Loss of BRCA2 function is a known mechanism of disease. Based on the available evidence, this variant is classified as Pathogenic.

All of Us Research Program, National Institutes of Health
Classification: Pathogenic for Breast-ovarian cancer, familial, susceptibility to, 2. Last evaluated: 2023-08-14. Review status: criteria provided, single submitter. Criteria: ACMG Guidelines, 2015. Collection method: clinical testing. Allele origin: germline. Inheritance: Autosomal dominant inheritance. Observed: 1 variant allele, 1 heterozygote. Not counted in ClinVar's aggregate classification.
Comment: This variant changes 1 nucleotide in exon 13 of the BRCA2 gene, creating a premature translation stop signal. This variant is expected to result in an absent or non-functional protein product. To our knowledge, functional studies have not been reported for this variant. This variant has been reported in individuals affected with breast/ovarian cancer (PMID: 11149425, 11802209, 19016756, 22217648, 25802882, 25863477, 26541979, 27732944, 28541631). This variant has not been identified in the general population by the Genome Aggregation Database (gnomAD). Loss of BRCA2 function is a known mechanism of disease. Based on the available evidence, this variant is classified as Pathogenic.

This study involves interpretation of variants in research participants for the purpose of population health screening. Participant phenotype was not available at the time of variant classification. Additional details can be found in publication PMID: 35346344, PMCID: PMC8962531

Baylor Genetics
Classification: Pathogenic for Familial cancer of breast. Last evaluated: 2023-05-24. Review status: criteria provided, single submitter. Criteria: ACMG Guidelines, 2015. Collection method: clinical testing. Allele origin: unknown. Not counted in ClinVar's aggregate classification.

Revvity Omics, Revvity
Classification: Pathogenic. Last evaluated: 2023-02-24. Review status: criteria provided, single submitter. Criteria: ACMG Guidelines, 2015. Collection method: clinical testing. Allele origin: germline. Not counted in ClinVar's aggregate classification.

Clinical Genetics Laboratory, Skane University Hospital Lund
Classification: Pathogenic. Last evaluated: 2022-05-27. Review status: criteria provided, single submitter. Criteria: ACMG Guidelines, 2015. Collection method: clinical testing. Allele origin: germline. Affected: yes. Not counted in ClinVar's aggregate classification.

CeGaT Center for Human Genetics Tuebingen
Classification: Pathogenic. Last evaluated: 2022-02-01. Review status: criteria provided, single submitter. Criteria: CeGaT Center For Human Genetics Tuebingen Variant Classification Criteria Version 2. Collection method: clinical testing. Allele origin: germline. Affected: yes. Observed: 1 variant allele. Not counted in ClinVar's aggregate classification.

Research Institute, Aichi Cancer Center
Classification: Pathogenic for Hereditary breast ovarian cancer syndrome. Last evaluated: 2022-02-01. Review status: criteria provided, single submitter. Criteria: ACMG Guidelines, 2015. Collection method: research. Allele origin: germline. Affected: yes. Observed: 2 variant alleles. Not counted in ClinVar's aggregate classification.

Institute for Clinical Genetics, University Hospital TU Dresden, University Hospital TU Dresden
Classification: Pathogenic. Last evaluated: 2021-11-03. Review status: criteria provided, single submitter. Criteria: ACMG Guidelines, 2015. Collection method: clinical testing. Allele origin: germline. Not counted in ClinVar's aggregate classification.

Laboratory for Molecular Medicine, Mass General Brigham Personalized Medicine
Classification: Pathogenic for Hereditary breast ovarian cancer syndrome. Last evaluated: 2020-06-19. Review status: criteria provided, single submitter. Criteria: ACMG Guidelines, 2015. Collection method: clinical testing. Allele origin: germline. Not counted in ClinVar's aggregate classification.
Comment: The p.Arg2318X variant in BRCA2 has been previously reported in >4 heterozygous individuals with breast and/or ovarian cancer and one individual with Fanconi anemia who was compound heterozygous for a second loss of function BRCA2 variant (Hasmad 2016 PMID 26541979, Hirotsu 2015 PMID 25802882, Mori 2019 PMID 30792206, Sugano 2008 PMID 19016756, Takai 2016 PMID 27732944). It is absent from large population studies. This variant was classified as pathogenic on 4/22/2016 by the ClinGen-approved ENIGMA expert panel (Variation ID 38076). This nonsense variant leads to a premature termination codon at position 2318, which is predicted to lead to a truncated or absent protein. Loss of function of the BRCA2 gene is an established disease mechanism in autosomal dominant hereditary breast and ovarian cancer (HBOC). In summary, this variant meets criteria to be classified as pathogenic for autosomal dominant HBOC. ACMG/AMP Criteria applied: PVS1, PM2, PM3, PS4_Supporting.

Women's Health and Genetics/Laboratory Corporation of America, LabCorp
Classification: Pathogenic for Hereditary breast and ovarian cancer syndrome. Last evaluated: 2020-04-21. Review status: criteria provided, single submitter. Criteria: LabCorp Variant Classification Summary - May 2015. Collection method: clinical testing. Allele origin: germline. Not counted in ClinVar's aggregate classification.
Comment: Variant summary: BRCA2 c.6952C>T (p.Arg2318X) results in a premature termination codon, predicted to cause a truncation of the encoded protein or absence of the protein due to nonsense mediated decay, which are commonly known mechanisms for disease. Truncations downstream of this position have been classified as pathogenic by our laboratory. The variant was absent in 249792 control chromosomes (gnomAD). c.6952C>T has been reported in the literature in multiple individuals affected with Hereditary Breast And Ovarian Cancer Syndrome (Wagner_1999, Ikeda_2001, Meindl_2002, Kwong_2015). These data indicate that the variant is very likely to be associated with disease. To our knowledge, no experimental evidence demonstrating an impact on protein function has been reported. 13 ClinVar submitters (evaluation after 2014), including one expert panel (ENIGMA), cite the variant as pathogenic. Based on the evidence outlined above, the variant was classified as pathogenic.

GeneKor MSA
Classification: Pathogenic. Last evaluated: 2020-01-01. Review status: criteria provided, single submitter. Criteria: ACMG Guidelines, 2015. Collection method: clinical testing. Allele origin: germline. Not counted in ClinVar's aggregate classification.
Comment: This sequence change creates a premature translational stop signal at codon 2318 (p.Arg2318*). It is expected to result in an absent or disrupted protein product. Truncating variants in BRCA2 are known to be pathogenic. This particular truncation has been reported in the literature in individuals affected by breast and/or ovarian cancer (PMID: 19016756, 25802882, 22217648, 25863477, 26187060). The mutation database ClinVar contains an entry for this variant (Variation ID: 38076).

Clinical Genetics and Genomics, Karolinska University Hospital
Classification: Pathogenic. Last evaluated: 2019-07-30. Review status: criteria provided, single submitter. Criteria: ACMG Guidelines, 2015. Collection method: clinical testing. Allele origin: germline. Affected: yes. Observed: 1 variant allele. Not counted in ClinVar's aggregate classification.

Institute of Human Genetics, University of Leipzig Medical Center
Classification: Pathogenic for Familial cancer of breast. Last evaluated: 2019-01-01. Review status: criteria provided, single submitter. Criteria: ACMG Guidelines, 2015. Collection method: clinical testing. Allele origin: unknown. Affected: yes. Not counted in ClinVar's aggregate classification.

Fulgent Genetics
Classification: Pathogenic for Familial cancer of breast; Medulloblastoma; Familial prostate cancer; Wilms tumor 1; Fanconi anemia complementation group D1; Breast-ovarian cancer, familial, susceptibility to, 2; Glioma susceptibility 3; Pancreatic cancer, susceptibility to, 2. Last evaluated: 2018-10-31. Review status: criteria provided, single submitter. Criteria: ACMG Guidelines, 2015. Collection method: clinical testing. Allele origin: unknown. Not counted in ClinVar's aggregate classification.

Mendelics
Classification: Pathogenic for Hereditary breast and ovarian cancer syndrome. Last evaluated: 2018-07-02. Review status: criteria provided, single submitter. Criteria: Mendelics Assertion Criteria 2017. Collection method: clinical testing. Allele origin: unknown. Not counted in ClinVar's aggregate classification.

Institute for Biomarker Research, Medical Diagnostic Laboratories, L.L.C.
Classification: Pathogenic for Hereditary cancer-predisposing syndrome. Last evaluated: 2018-01-16. Review status: criteria provided, single submitter. Criteria: ACMG Guidelines, 2015. Collection method: clinical testing. Allele origin: germline. Not counted in ClinVar's aggregate classification.